The following is an entry in ClinVar:

ClinVar aggregate classification (germline): Uncertain significance (1 of 4 stars; one submission).

Conditions:
Familial focal epilepsy with variable foci (FPEVF). Identifiers: Orphanet 98820, MedGen C1858477, MONDO:0020310.

Submission:

Labcorp Genetics (formerly Invitae), Labcorp
Classification: Uncertain significance for Familial focal epilepsy with variable foci. Last evaluated: 2024-04-10. Review status: criteria provided, single submitter. Criteria: Invitae Variant Classification Sherloc (09022015). Collection method: clinical testing. Allele origin: germline.
Comment: This sequence change falls in intron 8 of the DEPDC5 gene. It does not directly change the encoded amino acid sequence of the DEPDC5 protein. It affects a nucleotide within the consensus splice site. This variant is not present in population databases (gnomAD no frequency). This variant has not been reported in the literature in individuals affected with DEPDC5-related conditions. Variants that disrupt the consensus splice site are a relatively common cause of aberrant splicing (PMID: 17576681, 9536098). Algorithms developed to predict the effect of sequence changes on RNA splicing suggest that this variant is not likely to affect RNA splicing. In summary, the available evidence is currently insufficient to determine the role of this variant in disease. Therefore, it has been classified as a Variant of Uncertain Significance.

Literature cited by the submitters: PubMed 17576681; PubMed 9536098.

NM_001242896.3(DEPDC5):c.483+6A>T

Gene: DEPDC5 (DEP domain containing 5, GATOR1 subcomplex subunit; plus strand). Cytogenetic location: 22q12.2.
Variant type: single nucleotide variant.
Coding change: c.483+6A>T on transcript NM_001242896.3 (MANE Select); 6 bases into the intron after coding-DNA position 483, A replaced by T.
Molecular consequence: intron variant.
Genome position (GRCh38, 1-based): chr22:31,778,174, A>T. VCF-style: chr22-31778174-A-T. GRCh37 (hg19) VCF-style: chr22-32174160-A-T.
Other names: c.483+6A>T (NM_001364318.2, NM_001136029.4, NM_014662.6 and 7 more transcripts); c.399+6A>T (NM_001369902.1, NM_001369901.1).
Identifiers: ClinVar variation 3609320 (VCV003609320.2).